The following is an entry in ClinVar:

ClinVar aggregate classification (germline): Conflicting classifications of pathogenicity. Review status: criteria provided, conflicting classifications (1 of 4 stars). 5 submissions from 5 submitters: Pathogenic (1); Likely pathogenic (3); Uncertain significance (1). Last evaluated 2026-08-12.

Conditions:
Breast-ovarian cancer, familial, susceptibility to, 4. Identifiers: Orphanet 145, MedGen C3280345, MONDO:0013669, OMIM 614291.
Hereditary cancer-predisposing syndrome. Also called: Hereditary Cancer Syndrome; Hereditary neoplastic syndrome; Neoplastic Syndromes, Hereditary; Tumor predisposition. Identifiers: Orphanet 140162, MedGen C0027672, MeSH D009386, MONDO:0015356.
Hereditary breast ovarian cancer syndrome. Also called: BRCA1- and BRCA2-Associated Hereditary Breast and Ovarian Cancer; Hereditary breast and ovarian cancer syndrome; Breast and ovarian cancer; Hereditary breast and ovarian cancer syndrome (HBOC); Hereditary breast and/or ovarian cancer syndrome; Hereditary breast and ovarian cancer. Identifiers: Orphanet 145, MedGen C0677776, MeSH D061325, MONDO:0003582. Disease mechanism: loss of function.

Submissions (5):

German Consortium for Hereditary Breast and Ovarian Cancer, University Hospital Cologne
Classification: Likely pathogenic for Hereditary breast ovarian cancer syndrome. Last evaluated: 2026-08-12. Review status: criteria provided, single submitter. Criteria: ACMG SVI. Collection method: curation. Allele origin: germline.
Comment: This classification follows the ACMG SVI adaptation classification scheme; We chose these criteria: PVS1 (strong pathogenic): physiological splice isoform skipping exon 3-5 in 55 % Davy 2017 but described as loss of function in (Kawabata (1999), Kawabata (2004), Gruver (2009), Baldock (2019)), PS3 (medium pathogenic): Casadei 2026 (PMID: 42327150): functionally abnormal , PM2 (supporting pathogenic): not in gnomAD

Ambry Genetics
Classification: Uncertain significance for Hereditary cancer-predisposing syndrome. Last evaluated: 2025-10-01. Review status: criteria provided, single submitter. Criteria: Ambry Variant Classification Scheme 2023. Collection method: clinical testing. Allele origin: germline.
Comment: The c.264-1G>A intronic variant results from a G to A substitution one nucleotide upstream from coding exon 4 of the RAD51D gene. This alteration was identified in 1/692 men with metastatic prostate cancer who were unselected for family history of cancer or age at diagnosis (Pritchard CC et al. N Engl J Med, 2016 Aug;375:443-53). This nucleotide position is highly conserved in available vertebrate species. In silico splice site analysis predicts that this alteration will weaken the native splice acceptor site. However, RNA studies in the literature have shown that exons 3 through 5 are excluded in several naturally occurring RAD51D transcripts (Davy G et al. Eur. J. Hum. Genet., 2017 10;25:1147-1154). Since supporting evidence is limited at this time, the clinical significance of this alteration remains unclear.

Myriad Genetics, Inc.
Classification: Likely pathogenic for Breast-ovarian cancer, familial, susceptibility to, 4. Last evaluated: 2024-01-04. Review status: criteria provided, single submitter. Criteria: Myriad Autosomal Dominant, Autosomal Recessive and X-Linked Classification Criteria (2023). Collection method: clinical testing. Allele origin: unknown.
Comment: This variant is considered likely pathogenic. This variant occurs within a consensus splice junction and is predicted to result in abnormal mRNA splicing of either an out-of-frame exon or an in-frame exon necessary for protein stability and/or normal function.

Hereditary Cancer Group, L’Institut d'Investigació Biomèdica de Bellvitge
Classification: Pathogenic for Breast-ovarian cancer, familial, susceptibility to, 4. Last evaluated: 2021-03-06. Review status: criteria provided, single submitter. Criteria: ACMG Guidelines, 2015. Collection method: curation. Allele origin: germline.

Color Diagnostics, LLC DBA Color Health
Classification: Likely pathogenic for Hereditary cancer-predisposing syndrome. Last evaluated: 2019-05-22. Review status: criteria provided, single submitter. Criteria: ACMG Guidelines, 2015. Collection method: clinical testing. Allele origin: germline.

Literature cited by the submitters: PubMed 27433846 (cited by Ambry Genetics and Hereditary Cancer Group, L’Institut d'Investigació Biomèdica de Bellvitge); PubMed 28905878 (cited by Ambry Genetics).

NM_002878.4(RAD51D):c.264-1G>A

Genes: RAD51D (RAD51 paralog D; minus strand), RAD51L3-RFFL (RAD51L3-RFFL readthrough; minus strand). Cytogenetic location: 17q12.
Variant type: single nucleotide variant.
Coding change: c.264-1G>A on transcript NM_002878.4 (MANE Select); the canonical splice acceptor site of the intron before coding-DNA position 264, G replaced by A.
Molecular consequence: splice acceptor variant. On other transcripts: intron variant (1).
Genome position (GRCh38, 1-based): chr17:35,107,448, C>T on the plus strand (G>A on the coding strand, the complement: RAD51D is on the minus strand). VCF-style: chr17-35107448-C-T. GRCh37 (hg19) VCF-style: chr17-33434467-C-T.
Other names: c.145-967G>A (NM_133629.3); c.324-1G>A (NM_001142571.2).
Identifiers: ClinVar variation 927404 (VCV000927404.9), dbSNP rs2091622013, ClinGen allele CA399090040.